The following is an entry in ClinVar:

NM_015335.5(MED13L):c.5866C>T (p.Gln1956Ter)

Gene: MED13L (mediator complex subunit 13L; minus strand). Cytogenetic location: 12q24.21.
Variant type: single nucleotide variant.
Coding change: c.5866C>T on transcript NM_015335.5 (MANE Select); coding-DNA position 5866, C replaced by T.
Protein change: p.Gln1956Ter; replaces glutamine 1956 with a stop codon.
Molecular consequence: nonsense.
Genome position (GRCh38, 1-based): chr12:115,972,102, G>A on the plus strand (C>T on the coding strand, the complement: MED13L is on the minus strand). VCF-style: chr12-115972102-G-A. GRCh37 (hg19) VCF-style: chr12-116409907-G-A.
Other names: short protein forms Q1956*.
Identifiers: ClinVar variation 620310 (VCV000620310.1), dbSNP rs1565985681, ClinGen allele CA386876907.

ClinVar aggregate classification (germline): Pathogenic (1 of 4 stars; one submission).

Submission:

GeneDx
Classification: Pathogenic. Last evaluated: 2018-08-08. Review status: criteria provided, single submitter. Criteria: GeneDx Variant Classification (06012015). Collection method: clinical testing. Allele origin: germline. Affected: yes.
Comment: The Q1956X variant in the MED13L gene has not been reported previously as a pathogenic variant nor as a benign variant, to our knowledge. This variant is predicted to cause loss of normal protein function either through protein truncation or nonsense-mediated mRNA decay. The Q1956X variant is not observed in large population cohorts (Lek et al., 2016). We interpret Q1956X as a pathogenic variant.